The following is an entry in ClinVar:

ClinVar aggregate classification (germline): Pathogenic (1 of 4 stars; one submission).

Conditions:
Nephronophthisis 3 (NPHP3). Also called: Adolescent nephronophthisis. Identifiers: Orphanet 655, MedGen C1858392, MONDO:0011456, OMIM 604387.

Submission:

MVZ Medizinische Genetik Mainz
Classification: Pathogenic for Nephronophthisis 3. Last evaluated: 2026-03-09. Review status: criteria provided, single submitter. Criteria: UK Practice Guidelines For Variant Classification V4 01 2020. Collection method: clinical testing. Allele origin: germline. Inheritance: Autosomal recessive inheritance. Affected: yes. Observed: 1 variant allele.
Comment: ACMG Criteria: PVS1,PM2_SUP; Compound Heterozygote

NM_153240.5(NPHP3):c.1098_1101del (p.Ile367fs)

Genes: NPHP3 (nephrocystin 3; minus strand), NPHP3-ACAD11 (NPHP3-ACAD11 readthrough (NMD candidate); minus strand). Cytogenetic location: 3q22.1.
Variant type: Microsatellite.
Coding change: c.1098_1101del on transcript NM_153240.5 (MANE Select); coding-DNA positions 1098 to 1101, 4 bases deleted (TATT; older notation c.1098_1101delTATT).
Protein change: p.Ile367fs; shifts the reading frame from isoleucine 367.
Molecular consequence: frameshift variant. On other transcripts: non-coding transcript variant (1).
Genome position (GRCh38, 1-based): chr3:132,713,143-132,713,146, AATA deleted on the plus strand (TATT on the coding strand, the reverse complement: NPHP3 is on the minus strand); deleting any 4 consecutive bases within chr3:132,713,143-132,713,152 gives the same sequence; the c. name uses the placement nearest the transcript's 3' end. VCF-style (leftmost placement, unchanged base first): chr3-132713142-GAATA-G. GRCh37 (hg19) VCF-style: chr3-132431986-GAATA-G.
Other names: short protein forms I367fs.
Identifiers: ClinVar variation 5038120 (VCV005038120.1).